The following is an entry in ClinVar:

NM_000965.5(RARB):c.887G>T (p.Gly296Val)

Gene: RARB (retinoic acid receptor beta; plus strand). Cytogenetic location: 3p24.2.
Variant type: single nucleotide variant.
Coding change: c.887G>T on transcript NM_000965.5 (MANE Select); coding-DNA position 887, G replaced by T.
Protein change: p.Gly296Val; replaces glycine 296 with valine.
Molecular consequence: missense variant. On other transcripts: non-coding transcript variant (1), intron variant (1).
Genome position (GRCh38, 1-based): chr3:25,593,603, G>T. VCF-style: chr3-25593603-G-T. GRCh37 (hg19) VCF-style: chr3-25635094-G-T.
Other names: c.908G>T, p.Gly303Val (NM_001290216.3); c.551G>T, p.Gly184Val (NM_001290217.2, NM_001290276.2, NM_016152.4); c.740G>T, p.Gly247Val (NM_001290266.2); c.758G>T, p.Gly253Val (NM_001290300.2); c.787-38G>T (NM_001290277.1); short protein forms G184V, G247V, G253V, G296V, G303V.
Identifiers: ClinVar variation 4072703 (VCV004072703.1).

ClinVar aggregate classification (germline): Uncertain significance (1 of 4 stars; one submission).

Submission:

GeneDx
Classification: Uncertain significance. Last evaluated: 2025-01-30. Review status: criteria provided, single submitter. Criteria: GeneDx Variant Classification Process June 2021. Collection method: clinical testing. Allele origin: germline. Affected: yes.
Comment: Not observed at significant frequency in large population cohorts (gnomAD); In silico analysis supports that this missense variant has a deleterious effect on protein structure/function; Has not been previously published as pathogenic or benign to our knowledge